The following is an entry in ClinVar:

ClinVar aggregate classification (germline): Conflicting classifications of pathogenicity. Review status: criteria provided, conflicting classifications (1 of 4 stars). 4 submissions from 4 submitters: Uncertain significance (2); Likely benign (2). Last evaluated 2025-10-01.

Conditions:
Early-infantile DEE. Also called: Early infantile epileptic encephalopathy; Early infantile epileptic encephalopathy with suppression bursts; Ohtahara syndrome. Identifiers: Orphanet 1934, MedGen C0393706, MONDO:0800491.
Developmental and epileptic encephalopathy, 5 (DEE5). Identifiers: Orphanet 3451, MedGen C3150731, MONDO:0013277, OMIM 613477.

Allele frequency attached by ClinVar (database versions not stated): gnomAD exomes 0.00001 and 0.00002; TOPMed 0.00002; gnomAD 0.00003 and 0.00004.
gnomAD v4.1: 15 of 1,613,832 alleles (0.00093%); highest among the groups gnomAD compares: Admixed American, 0.0067%; no homozygotes.

Submissions (4):

Labcorp Genetics (formerly Invitae), Labcorp
Classification: Likely benign for Early-infantile DEE. Last evaluated: 2025-10-01. Review status: criteria provided, single submitter. Criteria: Invitae Variant Classification Sherloc (09022015). Collection method: clinical testing. Allele origin: germline.

Genome-Nilou Lab
Classification: Uncertain significance for Developmental and epileptic encephalopathy, 5. Last evaluated: 2021-07-15. Review status: criteria provided, single submitter. Criteria: ACMG Guidelines, 2015. Collection method: clinical testing. Allele origin: germline. Affected: no.

Center for Genomics, Ann and Robert H. Lurie Children's Hospital of Chicago
Classification: Uncertain significance for Developmental and epileptic encephalopathy, 5. Last evaluated: 2021-03-30. Review status: criteria provided, single submitter. Criteria: ACMG Guidelines, 2015. Collection method: clinical testing. Allele origin: germline.
Comment: SPTAN1 NM_001130438.2 exon 15 p.Val656Val (c.1968G>A): This variant has not been reported in the literature but is present in 2/33500 Latino alleles in the Genome Aggregation Database. This variant is present in ClinVar (Variation ID:386680). Evolutionary conservation and computational predictive tools for this variant are limited or unavailable. Of note, this variant is a silent variant and does not change the amino acid, reducing the probability that this variant is disease causing. In summary, data on this variant is insufficient for disease classification. Therefore, the clinical significance of this variant is uncertain.

GeneDx
Classification: Likely benign. Last evaluated: 2021-01-19. Review status: criteria provided, single submitter. Criteria: GeneDx Variant Classification Process June 2021. Collection method: clinical testing. Allele origin: germline. Affected: yes.

NM_001130438.3(SPTAN1):c.1968G>A (p.Val656=)

Gene: SPTAN1 (spectrin alpha, non-erythrocytic 1; plus strand). Cytogenetic location: 9q34.11.
Variant type: single nucleotide variant.
Coding change: c.1968G>A on transcript NM_001130438.3 (MANE Select); coding-DNA position 1968, G replaced by A.
Protein change: p.Val656=; no amino-acid change (valine 656 retained).
Molecular consequence: synonymous variant.
Genome position (GRCh38, 1-based): chr9:128,583,238, G>A. VCF-style: chr9-128583238-G-A. GRCh37 (hg19) VCF-style: chr9-131345517-G-A.
Other names: c.1968G>A, p.Val656= (NM_001195532.2, NM_001363759.2, NM_001363765.2 and 1 more transcripts).
Identifiers: ClinVar variation 386680 (VCV000386680.17), dbSNP rs968327265, ClinGen allele CA16605608.